The following is an entry in ClinVar:

ClinVar aggregate classification (germline): Likely benign. Review status: criteria provided, multiple submitters, no conflicts (2 of 4 stars). 2 submissions from 2 submitters: Likely benign (2). Last evaluated 2026-09-01.

Conditions:
Microcephaly-intellectual disability-sensorineural hearing loss-epilepsy-abnormal muscle tone syndrome (NEDHSB). Also called: NEURODEVELOPMENTAL DISORDER WITH HEARING LOSS, SEIZURES, AND BRAIN ABNORMALITIES. Identifiers: Orphanet 457351, MedGen C4225276, MONDO:0014698, OMIM 616577.

Submissions (2):

CeGaT Center for Human Genetics Tuebingen
Classification: Likely benign. Last evaluated: 2026-09-01. Review status: criteria provided, single submitter. Criteria: CeGaT Center For Human Genetics Tuebingen Variant Classification Criteria Version 2. Collection method: clinical testing. Allele origin: germline. Affected: yes. Observed: 1 variant allele.
Comment: AFG2A: PM2:Supporting, BP4, BP7

Labcorp Genetics (formerly Invitae), Labcorp
Classification: Likely benign for Microcephaly-intellectual disability-sensorineural hearing loss-epilepsy-abnormal muscle tone syndrome. Last evaluated: 2025-05-13. Review status: criteria provided, single submitter. Criteria: Invitae Variant Classification Sherloc (09022015). Collection method: clinical testing. Allele origin: germline.

NM_145207.3(AFG2A):c.939C>T (p.Ser313=)

Gene: AFG2A (AAA ATPase AFG2A; plus strand). Cytogenetic location: 4q28.1.
Variant type: single nucleotide variant.
Coding change: c.939C>T on transcript NM_145207.3 (MANE Select); coding-DNA position 939, C replaced by T.
Protein change: p.Ser313=; no amino-acid change (serine 313 retained).
Molecular consequence: synonymous variant.
Genome position (GRCh38, 1-based): chr4:122,934,530, C>T. VCF-style: chr4-122934530-C-T. GRCh37 (hg19) VCF-style: chr4-123855685-C-T.
Other names: c.936C>T, p.Ser312= (NM_001317799.2, NM_001345856.2, NM_001437913.1); c.939C>T, p.Ser313= (NM_001438322.1).
Identifiers: ClinVar variation 4790881 (VCV004790881.2).